The following is an entry in ClinVar:

NM_001849.4(COL6A2):c.1516C>A (p.Pro506Thr)

Gene: COL6A2 (collagen type VI alpha 2 chain; plus strand). Cytogenetic location: 21q22.3.
Variant type: single nucleotide variant.
Coding change: c.1516C>A on transcript NM_001849.4 (MANE Select); coding-DNA position 1516, C replaced by A.
Protein change: p.Pro506Thr; replaces proline 506 with threonine.
Molecular consequence: missense variant.
Genome position (GRCh38, 1-based): chr21:46,121,613, C>A. VCF-style: chr21-46121613-C-A. GRCh37 (hg19) VCF-style: chr21-47541527-C-A.
Other names: c.1516C>A, p.Pro506Thr (NM_058174.3, NM_058175.3); short protein forms P506T.
Identifiers: ClinVar variation 2970519 (VCV002970519.3), dbSNP rs2517006951, ClinGen allele CA410532315.

ClinVar aggregate classification (germline): Uncertain significance (1 of 4 stars; one submission).

Conditions:
Bethlem myopathy 1A. Also called: MYOPATHY, BENIGN CONGENITAL, WITH CONTRACTURES; Bethlem myopathy 1; Bethlem Muscular Dystrophy. Identifiers: Orphanet 610, MedGen CN029274, MONDO:0024530, OMIM 158810.

Submission:

Labcorp Genetics (formerly Invitae), Labcorp
Classification: Uncertain significance for Bethlem myopathy 1A. Last evaluated: 2025-09-02. Review status: criteria provided, single submitter. Criteria: Invitae Variant Classification Sherloc (09022015). Collection method: clinical testing. Allele origin: germline.
Comment: This sequence change replaces proline, which is neutral and non-polar, with threonine, which is neutral and polar, at codon 506 of the COL6A2 protein (p.Pro506Thr). This variant is not present in population databases (gnomAD no frequency). This variant has not been reported in the literature in individuals affected with COL6A2-related conditions. ClinVar contains an entry for this variant (Variation ID: 2970519). Invitae Evidence Modeling of protein sequence and biophysical properties (such as structural, functional, and spatial information, amino acid conservation, physicochemical variation, residue mobility, and thermodynamic stability) indicates that this missense variant is not expected to disrupt COL6A2 protein function with a negative predictive value of 80%. In summary, the available evidence is currently insufficient to determine the role of this variant in disease. Therefore, it has been classified as a Variant of Uncertain Significance.